The following is an entry in ClinVar:

ClinVar aggregate classification (germline): Likely pathogenic (1 of 4 stars; one submission).

Conditions:
Wilson disease (WND). Also called: Wilson's disease. Identifiers: Orphanet 905, MedGen C0019202, MONDO:0010200, OMIM 277900. Disease mechanism: loss of function.

Submission:

Diagnostics Services (NGS), CSIR - Centre For Cellular And Molecular Biology
Classification: Likely pathogenic for Wilson disease. Last evaluated: 2024-12-03. Review status: criteria provided, single submitter. Criteria: ACMG Guidelines, 2015. Collection method: clinical testing. Allele origin: unknown. Affected: yes. Observed: 1 variant allele, 1 heterozygote.
Comment: The c.3412+1G>T variant is not present in 1000 Genomes, EVS, gnomAD, Indian Exome Database or our internal database. This variant has neither been published in literature nor reported to clinical databases like ClinVar, HGMD or OMIM, in any affected individuals. Algorithms developed to predict the effect of sequence changes on RNA splicing suggest that this variant may disrupt the consensus splice site. In-silico pathogenicity prediction programs like HSF3.1, MutationTaster2, CADD, Varsome, Franklin, etc. predicted this variant to be likely deleterious; however, these predictions were not confirmed by published translational/functional studies.

NM_000053.4(ATP7B):c.3412+1G>T

Gene: ATP7B (ATPase copper transporting beta; minus strand). Cytogenetic location: 13q14.3.
Variant type: single nucleotide variant.
Coding change: c.3412+1G>T on transcript NM_000053.4 (MANE Select); the canonical splice donor site of the intron after coding-DNA position 3412, G replaced by T.
Molecular consequence: splice donor variant.
Genome position (GRCh38, 1-based): chr13:51,942,385, C>A on the plus strand (G>T on the coding strand, the complement: ATP7B is on the minus strand). VCF-style: chr13-51942385-C-A. GRCh37 (hg19) VCF-style: chr13-52516521-C-A.
Other names: c.2926+1G>T (NM_001406541.1, NM_001406542.1); c.3160+1G>T (NM_001406531.1, NM_001406532.1, NM_001330579.2); c.3178+1G>T (NM_001406527.1, NM_001406528.1, NM_001406538.1 and 1 more transcripts); c.3073+1G>T (NM_001406537.1); c.3268+1G>T (NM_001406521.1, NM_001406522.1, NM_001406520.1); c.3406+1G>T (NM_001406513.1); c.3412+1G>T (NM_001406511.1, NM_001406512.1, NM_001406526.1); c.3064+1G>T (NM_001406543.1); and 19 more.
Identifiers: ClinVar variation 3767986 (VCV003767986.1).